The following is an entry in ClinVar:

ClinVar aggregate classification (germline): Pathogenic. Review status: criteria provided, multiple submitters, no conflicts (2 of 4 stars). 2 submissions from 2 submitters: Pathogenic (2). Last evaluated 2022-06-22.

Conditions:
Osteogenesis imperfecta type I (OI1). Also called: Lobstein disease; OI, TYPE I; OSTEOGENESIS IMPERFECTA TARDA; OSTEOGENESIS IMPERFECTA WITH BLUE SCLERAE; Classic Non-deforming Osteogenesis Imperfecta with Blue Sclerae; Osteogenesis imperfecta type 1. Identifiers: Orphanet 216796, Orphanet 666, MedGen C0023931, MONDO:0008146, OMIM 166200. Disease mechanism: loss of function.
Ehlers-Danlos syndrome, classic type, 1 (EDSCL1). Also called: EDS I; EHLERS-DANLOS SYNDROME, GRAVIS TYPE; EHLERS-DANLOS SYNDROME, SEVERE CLASSIC TYPE; Ehlers-Danlos Syndrome, Classic Type, COL5A1-Related; Ehlers-Danlos syndrome, type 1. Identifiers: MedGen C0268335, MONDO:0019567, OMIM 130000.
COL1A2-related disorder. Also called: COL1A2-Related Disorders; COL1A2-related condition.

Submissions (2):

Blueprint Genetics
Classification: Pathogenic for COL1A2-related disorders. Last evaluated: 2022-06-22. Review status: criteria provided, single submitter. Criteria: ACMG Guidelines, 2015. Collection method: clinical testing. Allele origin: germline. Affected: yes. Observed: 2 variant alleles.

Labcorp Genetics (formerly Invitae), Labcorp
Classification: Pathogenic for Osteogenesis imperfecta type I; Ehlers-Danlos syndrome, classic type, 1. Last evaluated: 2022-05-13. Review status: criteria provided, single submitter. Criteria: Invitae Variant Classification Sherloc (09022015). Collection method: clinical testing. Allele origin: germline.
Comment: This sequence change affects an acceptor splice site in intron 9 of the COL1A2 gene. It is expected to disrupt RNA splicing. Variants that disrupt the donor or acceptor splice site typically lead to a loss of protein function (PMID: 16199547), and loss-of-function variants in COL1A2 are known to be pathogenic (PMID: 11288717, 15077201). This variant is not present in population databases (gnomAD no frequency). Disruption of this splice site has been observed in individuals with autosomal dominant COL1A2-related conditions (PMID: 17078022, 25436829; Invitae). This variant is also known as g.12561G>C IVS9-1G>C. Algorithms developed to predict the effect of sequence changes on RNA splicing suggest that this variant may disrupt the consensus splice site. For these reasons, this variant has been classified as Pathogenic.

Literature cited by the submitters: PubMed 16199547 (cited by Labcorp Genetics (formerly Invitae), Labcorp); PubMed 11288717 (cited by Labcorp Genetics (formerly Invitae), Labcorp); PubMed 15077201 (cited by Labcorp Genetics (formerly Invitae), Labcorp); PubMed 17078022 (cited by Labcorp Genetics (formerly Invitae), Labcorp); PubMed 25436829 (cited by Labcorp Genetics (formerly Invitae), Labcorp).

NM_000089.4(COL1A2):c.433-1G>C

Gene: COL1A2 (collagen type I alpha 2 chain; plus strand). Cytogenetic location: 7q21.3.
Variant type: single nucleotide variant.
Coding change: c.433-1G>C on transcript NM_000089.4 (MANE Select); the canonical splice acceptor site of the intron before coding-DNA position 433, G replaced by C.
Molecular consequence: splice acceptor variant.
Genome position (GRCh38, 1-based): chr7:94,405,198, G>C. VCF-style: chr7-94405198-G-C. GRCh37 (hg19) VCF-style: chr7-94034510-G-C.
Identifiers: ClinVar variation 2136558 (VCV002136558.5), dbSNP rs72656365, ClinGen allele CA162914951.
Genomic context (GRCh38, chr7:94,405,198, plus strand): 5'-CCCCCATTTTGTCTGATAGTTTACCAAGAAGAAGTTGACTCTACAATGTTTTCATGTTTA[G>C]GGTCACCCTGGAAAACCCGGACGACCTGGTGAGAGAGGAGTTGTTGGACCACAGGTGAGA-3'